The following is an entry in ClinVar:

ClinVar aggregate classification (germline): Likely benign (1 of 4 stars; one submission).

Conditions:
RYR3-related disorder. Also called: RYR3-related condition.

gnomAD v4.1: 5 of 1,613,862 alleles (0.00031%); highest among the groups gnomAD compares: Non-Finnish European, 0.00025%; no homozygotes.

Submission:

PreventionGenetics, part of Exact Sciences
Classification: Likely benign for RYR3-related condition. Last evaluated: 2026-05-27. Review status: criteria provided, single submitter. Criteria: ACMG Guidelines, 2015. Collection method: clinical testing. Allele origin: germline.
Comment: This variant is classified as likely benign based on ACMG/AMP sequence variant interpretation guidelines (Richards et al. 2015 PMID: 25741868, with internal and published modifications).

NM_001036.6(RYR3):c.12852C>T (p.Leu4284=)

Gene: RYR3 (ryanodine receptor 3; plus strand). Cytogenetic location: 15q14.
Variant type: single nucleotide variant.
Coding change: c.12852C>T on transcript NM_001036.6 (MANE Select); coding-DNA position 12852, C replaced by T.
Protein change: p.Leu4284=; no amino-acid change (leucine 4284 retained).
Molecular consequence: synonymous variant.
Genome position (GRCh38, 1-based): chr15:33,838,832, C>T. VCF-style: chr15-33838832-C-T. GRCh37 (hg19) VCF-style: chr15-34131033-C-T.
Other names: c.12837C>T, p.Leu4279= (NM_001243996.4).
Identifiers: ClinVar variation 4979283 (VCV004979283.1).